The following is an entry in ClinVar:

ClinVar aggregate classification (germline): Uncertain significance. Review status: criteria provided, multiple submitters, no conflicts (2 of 4 stars). 3 submissions from 3 submitters: Uncertain significance (3). Last evaluated 2025-12-10.

Conditions:
Cardiovascular phenotype. Identifiers: MedGen CN230736.
Cardiomyopathy (CMYO). Also called: Cardiomyopathies. Identifiers: Orphanet 167848, MedGen C0878544, MONDO:0004994, HP:0001638. Inheritance: Various modes of inheritance.
Hypertrophic cardiomyopathy. Also called: HYPERTROPHIC MYOCARDIOPATHY. Identifiers: Orphanet 217569, MedGen C0007194, MeSH D002312, MONDO:0005045, HP:0001639.

Submissions (3):

Labcorp Genetics (formerly Invitae), Labcorp
Classification: Uncertain significance for Hypertrophic cardiomyopathy. Last evaluated: 2025-12-10. Review status: criteria provided, single submitter. Criteria: Invitae Variant Classification Sherloc (09022015). Collection method: clinical testing. Allele origin: germline.
Comment: This sequence change replaces arginine, which is basic and polar, with glycine, which is neutral and non-polar, at codon 1149 of the MYH7 protein (p.Arg1149Gly). This variant is not present in population databases (gnomAD no frequency). This variant has not been reported in the literature in individuals affected with MYH7-related conditions. ClinVar contains an entry for this variant (Variation ID: 1731504). Invitae Evidence Modeling of protein sequence and biophysical properties (such as structural, functional, and spatial information, amino acid conservation, physicochemical variation, residue mobility, and thermodynamic stability) indicates that this missense variant is expected to disrupt MYH7 protein function with a positive predictive value of 95%. In summary, the available evidence is currently insufficient to determine the role of this variant in disease. Therefore, it has been classified as a Variant of Uncertain Significance.

All of Us Research Program, National Institutes of Health
Classification: Uncertain significance for Cardiomyopathy. Last evaluated: 2023-11-28. Review status: criteria provided, single submitter. Criteria: ACMG Guidelines, 2015. Collection method: clinical testing. Allele origin: germline. Inheritance: Autosomal dominant inheritance. Observed: 3 variant alleles, 3 heterozygotes.
Comment: This missense variant replaces arginine with glycine at codon 1149 of the MYH7 protein. Computational prediction suggests that this variant may have deleterious impact on protein structure and function (internally defined REVEL score threshold >= 0.7, PMID: 27666373). To our knowledge, functional studies have not been reported for this variant. This variant has not been reported in individuals affected with MYH7-related disorders in the literature. This variant has not been identified in the general population by the Genome Aggregation Database (gnomAD). The available evidence is insufficient to determine the role of this variant in disease conclusively. Therefore, this variant is classified as a Variant of Uncertain Significance.

This study involves interpretation of variants in research participants for the purpose of population health screening. Participant phenotype was not available at the time of variant classification. Additional details can be found in publication PMID: 35346344, PMCID: PMC8962531

Ambry Genetics
Classification: Uncertain significance for Cardiovascular phenotype. Last evaluated: 2023-09-27. Review status: criteria provided, single submitter. Criteria: Ambry Variant Classification Scheme 2023. Collection method: clinical testing. Allele origin: germline.
Comment: The p.R1149G variant (also known as c.3445C>G), located in coding exon 25 of the MYH7 gene, results from a C to G substitution at nucleotide position 3445. The arginine at codon 1149 is replaced by glycine, an amino acid with dissimilar properties. This amino acid position is highly conserved in available vertebrate species. In addition, this alteration is predicted to be deleterious by in silico analysis. Since supporting evidence is limited at this time, the clinical significance of this alteration remains unclear.

NM_000257.4(MYH7):c.3445C>G (p.Arg1149Gly)

Gene: MYH7 (myosin heavy chain 7; minus strand). Cytogenetic location: 14q11.2.
Variant type: single nucleotide variant.
Coding change: c.3445C>G on transcript NM_000257.4 (MANE Select); coding-DNA position 3445, C replaced by G.
Protein change: p.Arg1149Gly; replaces arginine 1149 with glycine.
Molecular consequence: missense variant.
Genome position (GRCh38, 1-based): chr14:23,420,126, G>C on the plus strand (C>G on the coding strand, the complement: MYH7 is on the minus strand). VCF-style: chr14-23420126-G-C. GRCh37 (hg19) VCF-style: chr14-23889335-G-C.
Other names: c.3445C>G, p.Arg1149Gly (NM_001407004.1); short protein forms R1149G.
Identifiers: ClinVar variation 1731504 (VCV001731504.6), dbSNP rs2138654363, ClinGen allele CA389043865.
Genomic context (GRCh38, chr14:23,420,126, plus strand): 5'-CCTCGCGCTTCTTGTTCATCTCGATCTGCACGGACGTGGCCCCGCCGGCCTCTTCCAGCC[G>C]CTCGCTGATCTCCTCCAGCTCCCGAGACAGGTCTGAGCGCAGCTTCTCCACCTTAGCCCT-3'
Protein context (NP_000248.2, residues 1139-1159): LSRELEEISE[Arg1149Gly]LEEAGGATSV